The following is an entry in ClinVar:

NM_017534.6(MYH2):c.4337C>G (p.Ala1446Gly)

Genes: MYH2 (myosin heavy chain 2; minus strand), MYHAS (myosin heavy chain gene cluster antisense RNA; plus strand). Cytogenetic location: 17p13.1.
Variant type: single nucleotide variant.
Coding change: c.4337C>G on transcript NM_017534.6 (MANE Select); coding-DNA position 4337, C replaced by G.
Protein change: p.Ala1446Gly; replaces alanine 1446 with glycine.
Molecular consequence: missense variant.
Genome position (GRCh38, 1-based): chr17:10,525,727, G>C on the plus strand (C>G on the coding strand, the complement: MYH2 is on the minus strand). VCF-style: chr17-10525727-G-C. GRCh37 (hg19) VCF-style: chr17-10429044-G-C.
Other names: c.4337C>G, p.Ala1446Gly (NM_001100112.2); short protein forms A1446G.
Identifiers: ClinVar variation 571851 (VCV000571851.6), dbSNP rs1567728069, ClinGen allele CA398126083.

ClinVar aggregate classification (germline): Uncertain significance (1 of 4 stars; one submission).

Conditions:
Myopathy, proximal, and ophthalmoplegia (CMYO6). Also called: MYOPATHY WITH CONGENITAL JOINT CONTRACTURES, OPHTHALMOPLEGIA, AND RIMMED VACUOLES; INCLUSION BODY MYOPATHY 3, AUTOSOMAL DOMINANT; CONGENITAL MYOPATHY 6 WITH OPHTHALMOPLEGIA. Identifiers: Orphanet 363677, Orphanet 79091, MedGen C1854106, MONDO:0011577, OMIM 605637.

Submission:

Labcorp Genetics (formerly Invitae), Labcorp
Classification: Uncertain significance for Myopathy, proximal, and ophthalmoplegia. Last evaluated: 2023-08-04. Review status: criteria provided, single submitter. Criteria: Invitae Variant Classification Sherloc (09022015). Collection method: clinical testing. Allele origin: germline.
Comment: In summary, the available evidence is currently insufficient to determine the role of this variant in disease. Therefore, it has been classified as a Variant of Uncertain Significance. Advanced modeling of protein sequence and biophysical properties (such as structural, functional, and spatial information, amino acid conservation, physicochemical variation, residue mobility, and thermodynamic stability) performed at Invitae indicates that this missense variant is not expected to disrupt MYH2 protein function. ClinVar contains an entry for this variant (Variation ID: 571851). This variant has not been reported in the literature in individuals affected with MYH2-related conditions. This variant is not present in population databases (gnomAD no frequency). This sequence change replaces alanine, which is neutral and non-polar, with glycine, which is neutral and non-polar, at codon 1446 of the MYH2 protein (p.Ala1446Gly).